The following is an entry in ClinVar:

ClinVar aggregate classification (germline): Uncertain significance (1 of 4 stars; one submission).

Allele frequency attached by ClinVar (database versions not stated): gnomAD exomes below 0.00001.
gnomAD v4.1: 2 of 1,548,480 alleles (0.00013%); highest among the groups gnomAD compares: South Asian, 0.0024%; no homozygotes.

Submission:

Labcorp Genetics (formerly Invitae), Labcorp
Classification: Uncertain significance. Last evaluated: 2021-08-17. Review status: criteria provided, single submitter. Criteria: Invitae Variant Classification Sherloc (09022015). Collection method: clinical testing. Allele origin: germline.
Comment: This variant is not present in population databases (ExAC no frequency). This sequence change replaces arginine with glutamine at codon 25 of the KCNK4 protein (p.Arg25Gln). The arginine residue is weakly conserved and there is a small physicochemical difference between arginine and glutamine. This variant has not been reported in the literature in individuals affected with KCNK4-related conditions. Algorithms developed to predict the effect of missense changes on protein structure and function output the following: SIFT: "Not Available"; PolyPhen-2: "Benign"; Align-GVGD: "Not Available". The glutamine amino acid residue is found in multiple mammalian species, which suggests that this missense change does not adversely affect protein function. In summary, the available evidence is currently insufficient to determine the role of this variant in disease. Therefore, it has been classified as a Variant of Uncertain Significance.

NM_033310.3(KCNK4):c.74G>A (p.Arg25Gln)

Genes: KCNK4 (potassium two pore domain channel subfamily K member 4; plus strand), KCNK4-CATSPERZ (KCNK4-CATSPERZ readthrough (NMD candidate); plus strand). Cytogenetic location: 11q13.1.
Variant type: single nucleotide variant.
Coding change: c.74G>A on transcript NM_033310.3 (MANE Select); coding-DNA position 74, G replaced by A.
Protein change: p.Arg25Gln; replaces arginine 25 with glutamine.
Molecular consequence: missense variant. On other transcripts: non-coding transcript variant (2).
Genome position (GRCh38, 1-based): chr11:64,293,092, G>A. VCF-style: chr11-64293092-G-A. GRCh37 (hg19) VCF-style: chr11-64060564-G-A.
Other names: c.74G>A, p.Arg25Gln (NM_001317090.2); short protein forms R25Q.
Identifiers: ClinVar variation 1375741 (VCV001375741.6), dbSNP rs962540686, ClinGen allele CA223876404.